The following is an entry in ClinVar:

NM_017617.5(NOTCH1):c.5167+189C>G

Gene: NOTCH1 (notch receptor 1; minus strand). Cytogenetic location: 9q34.3.
Variant type: single nucleotide variant.
Coding change: c.5167+189C>G on transcript NM_017617.5 (MANE Select); 189 bases into the intron after coding-DNA position 5167, C replaced by G.
Molecular consequence: intron variant.
Genome position (GRCh38, 1-based): chr9:136,502,993, G>C on the plus strand (C>G on the coding strand, the complement: NOTCH1 is on the minus strand). VCF-style: chr9-136502993-G-C. GRCh37 (hg19) VCF-style: chr9-139397445-G-C.
Other names: c.5167+189C>G (LRG_1122t1).
Identifiers: ClinVar variation 133359 (VCV000133359.1), dbSNP rs113377894, ClinGen allele CA156449.

ClinVar aggregate classification (germline): not provided (0 of 4 stars; one submission).

Submission:

ITMI
No classification provided. Condition: AllHighlyPenetrant. Last evaluated: 2013-09-19. Review status: no classification provided. Collection method: reference population. Allele origin: germline.
Comment: Please see associated publication for description of ethnicities

Literature cited by the submitters: PubMed 24728327.